The following is an entry in ClinVar:

ClinVar aggregate classification (germline): Uncertain significance. Review status: criteria provided, multiple submitters, no conflicts (2 of 4 stars). 2 submissions from 2 submitters: Uncertain significance (2). Last evaluated 2025-02-15.

Conditions:
CHARGE syndrome (CHARGE). Also called: Hittner Hirsch Kreh syndrome; Coloboma, heart anomaly, choanal atresia, retardation, genital and ear anomalies; CHARGE association; Hall-Hittner syndrome; CHARGE ASSOCIATION--COLOBOMA, HEART ANOMALY, CHOANAL ATRESIA, RETARDATION, GENITAL AND EAR ANOMALIES. Identifiers: Orphanet 138, MedGen C0265354, MONDO:0008965.
Hypogonadotropic hypogonadism 5 with or without anosmia (KAL5). Also called: HYPOGONADOTROPIC HYPOGONADISM 5 WITH ANOSMIA; HYPOGONADOTROPHIC HYPOGONADISM 5 WITHOUT ANOSMIA; CHD7-Related GnRH Deficiency (Kallmann Syndrome 5). Identifiers: Orphanet 478, MedGen C3552553, MONDO:0012880, OMIM 612370. Disease mechanism: loss of function.

Allele frequency attached by ClinVar (database versions not stated): gnomAD exomes below 0.00001; gnomAD 0.00001.
gnomAD v4.1: 5 of 1,612,948 alleles (0.00031%); highest among the groups gnomAD compares: East Asian, 0.0045%; no homozygotes.

Submissions (2):

Labcorp Genetics (formerly Invitae), Labcorp
Classification: Uncertain significance for CHARGE syndrome. Last evaluated: 2025-02-15. Review status: criteria provided, single submitter. Criteria: Invitae Variant Classification Sherloc (09022015). Collection method: clinical testing. Allele origin: germline.
Comment: This sequence change replaces arginine, which is basic and polar, with tryptophan, which is neutral and slightly polar, at codon 749 of the CHD7 protein (p.Arg749Trp). This variant is not present in population databases (gnomAD no frequency). This variant has not been reported in the literature in individuals affected with CHD7-related conditions. ClinVar contains an entry for this variant (Variation ID: 962214). Invitae Evidence Modeling of protein sequence and biophysical properties (such as structural, functional, and spatial information, amino acid conservation, physicochemical variation, residue mobility, and thermodynamic stability) indicates that this missense variant is expected to disrupt CHD7 protein function with a positive predictive value of 95%. In summary, the available evidence is currently insufficient to determine the role of this variant in disease. Therefore, it has been classified as a Variant of Uncertain Significance.

Fulgent Genetics
Classification: Uncertain significance for CHD7-related CHARGE syndrome; Hypogonadotropic hypogonadism 5 with or without anosmia. Last evaluated: 2024-06-07. Review status: criteria provided, single submitter. Criteria: ACMG Guidelines, 2015. Collection method: clinical testing. Allele origin: germline.

NM_017780.4(CHD7):c.2245C>T (p.Arg749Trp)

Gene: CHD7 (chromodomain helicase DNA binding protein 7; plus strand). Cytogenetic location: 8q12.2.
Variant type: single nucleotide variant.
Coding change: c.2245C>T on transcript NM_017780.4 (MANE Select); coding-DNA position 2245, C replaced by T.
Protein change: p.Arg749Trp; replaces arginine 749 with tryptophan.
Molecular consequence: missense variant. On other transcripts: intron variant (1).
Genome position (GRCh38, 1-based): chr8:60,800,394, C>T. VCF-style: chr8-60800394-C-T. GRCh37 (hg19) VCF-style: chr8-61712953-C-T.
Other names: c.1716+19344C>T (NM_001316690.1); short protein forms R749W.
Identifiers: ClinVar variation 962214 (VCV000962214.6), dbSNP rs1320501538, ClinGen allele CA371298852.